The following is an entry in ClinVar:

ClinVar aggregate classification (germline): Likely benign (1 of 4 stars; one submission).

Allele frequency attached by ClinVar (database versions not stated): gnomAD exomes 0.00008 and 0.00010; TOPMed 0.00009; ExAC 0.00007; gnomAD 0.00007.

Submission:

GeneDx
Classification: Likely benign. Last evaluated: 2017-04-18. Review status: criteria provided, single submitter. Criteria: GeneDx Variant Classification (06012015). Collection method: clinical testing. Allele origin: germline. Affected: yes.
Comment: This variant is considered likely benign or benign based on one or more of the following criteria: it is a conservative change, it occurs at a poorly conserved position in the protein, it is predicted to be benign by multiple in silico algorithms, and/or has population frequency not consistent with disease.

NM_004373.3(COX6A1):c.-45A>G

Gene: COX6A1 (cytochrome c oxidase subunit 6A1; plus strand). Cytogenetic location: 12q24.31.
Variant type: single nucleotide variant.
Coding change: c.-45A>G on transcript NM_004373.3; 45 bases upstream of the start codon, A replaced by G.
Genome position (GRCh38, 1-based): chr12:120,438,082, A>G. VCF-style: chr12-120438082-A-G. GRCh37 (hg19) VCF-style: chr12-120875885-A-G.
Identifiers: ClinVar variation 382038 (VCV000382038.3), dbSNP rs578129670, ClinGen allele CA6827920.